The following is an entry in ClinVar:

ClinVar aggregate classification (germline): Benign/Likely benign. Review status: criteria provided, multiple submitters, no conflicts (2 of 4 stars). 4 submissions from 4 submitters: Benign (1); Likely benign (2). 1 of the submissions does not count toward it. Last evaluated 2026-01-14.

Conditions:
Cohen syndrome (COH1). Also called: PEPPER SYNDROME; Cutis verticis gyrata, retinitis pigmentosa, and sensorineural deafness. Identifiers: Orphanet 193, MedGen C0265223, MONDO:0008999, OMIM 216550.
VPS13B-related disorder. Also called: VPS13B-related condition.
Inborn genetic diseases. Identifiers: MedGen C0950123, MeSH D030342.

Allele frequency attached by ClinVar (database versions not stated): gnomAD 0.00001 and 0.00005; gnomAD exomes 0.00007 and 0.00013; ExAC 0.00021; 1000 Genomes Project 0.00040; 1000 Genomes Project 30x 0.00062.
gnomAD v4.1: 107 of 1,614,208 alleles (0.0066%); highest among the groups gnomAD compares: South Asian, 0.082%; 2 homozygotes.

Submissions (4):

Labcorp Genetics (formerly Invitae), Labcorp
Classification: Benign for Cohen syndrome. Last evaluated: 2026-01-14. Review status: criteria provided, single submitter. Criteria: Invitae Variant Classification Sherloc (09022015). Collection method: clinical testing. Allele origin: germline.

Blueprint Genetics
Classification: Likely benign. Last evaluated: 2023-06-29. Review status: criteria provided, single submitter. Criteria: ACMG Guidelines, 2015. Collection method: clinical testing. Allele origin: germline.

Ambry Genetics
Classification: Likely benign for Inborn genetic diseases. Last evaluated: 2019-04-15. Review status: criteria provided, single submitter. Criteria: Ambry Variant Classification Scheme 2023. Collection method: clinical testing. Allele origin: germline.

PreventionGenetics, part of Exact Sciences
Classification: Likely benign for VPS13B-related condition. Last evaluated: 2021-08-31. Review status: no assertion criteria provided. Collection method: clinical testing. Allele origin: germline. Not counted in ClinVar's aggregate classification.
Comment: This variant is classified as likely benign based on ACMG/AMP sequence variant interpretation guidelines (Richards et al. 2015 PMID: 25741868, with internal and published modifications).

NM_152564.5(VPS13B):c.11544C>T (p.Asp3848=)

Gene: VPS13B (vacuolar protein sorting 13 homolog B; plus strand). Cytogenetic location: 8q22.2.
Variant type: single nucleotide variant.
Coding change: c.11544C>T on transcript NM_152564.5 (MANE Select); coding-DNA position 11544, C replaced by T.
Protein change: p.Asp3848=; no amino-acid change (aspartic acid 3848 retained).
Molecular consequence: synonymous variant.
Genome position (GRCh38, 1-based): chr8:99,871,496, C>T. VCF-style: chr8-99871496-C-T. GRCh37 (hg19) VCF-style: chr8-100883724-C-T.
Other names: c.11544C>T (NM_152564.4); c.11619C>T, p.Asp3873= (NM_017890.5).
Identifiers: ClinVar variation 1164450 (VCV001164450.14), dbSNP rs572479795, ClinGen allele CA4825277.